The following is an entry in ClinVar:

ClinVar aggregate classification (germline): Uncertain significance. Review status: criteria provided, multiple submitters, no conflicts (2 of 4 stars). 2 submissions from 2 submitters: Uncertain significance (2). Last evaluated 2024-05-09.

Allele frequency attached by ClinVar (database versions not stated): gnomAD exomes below 0.00001; ExAC 0.00002; gnomAD 0.00003; TOPMed 0.00004; ESP Exome Variant Server 0.00008.

Submissions (2):

GeneDx
Classification: Uncertain significance. Last evaluated: 2024-05-09. Review status: criteria provided, single submitter. Criteria: GeneDx Variant Classification Process June 2021. Collection method: clinical testing. Allele origin: germline. Affected: yes.
Comment: In silico analysis indicates that this missense variant does not alter protein structure/function; Has not been previously published as pathogenic or benign to our knowledge

Labcorp Genetics (formerly Invitae), Labcorp
Classification: Uncertain significance. Last evaluated: 2023-07-12. Review status: criteria provided, single submitter. Criteria: Invitae Variant Classification Sherloc (09022015). Collection method: clinical testing. Allele origin: germline.
Comment: This variant has not been reported in the literature in individuals affected with CCDC50-related conditions. Algorithms developed to predict the effect of missense changes on protein structure and function output the following: SIFT: "Not Available"; PolyPhen-2: "Benign"; Align-GVGD: "Not Available". The aspartic acid amino acid residue is found in multiple mammalian species, which suggests that this missense change does not adversely affect protein function. In summary, the available evidence is currently insufficient to determine the role of this variant in disease. Therefore, it has been classified as a Variant of Uncertain Significance. The frequency data for this variant in the population databases is considered unreliable, as metrics indicate poor data quality at this position in the gnomAD database. This sequence change replaces asparagine, which is neutral and polar, with aspartic acid, which is acidic and polar, at codon 215 of the CCDC50 protein (p.Asn215Asp).

NM_178335.3(CCDC50):c.643A>G (p.Asn215Asp)

Gene: CCDC50 (coiled-coil domain containing 50; plus strand). Cytogenetic location: 3q28.
Variant type: single nucleotide variant.
Coding change: c.643A>G on transcript NM_178335.3 (MANE Select); coding-DNA position 643, A replaced by G.
Protein change: p.Asn215Asp; replaces asparagine 215 with aspartic acid.
Molecular consequence: missense variant. On other transcripts: intron variant (1).
Genome position (GRCh38, 1-based): chr3:191,375,256, A>G. VCF-style: chr3-191375256-A-G. GRCh37 (hg19) VCF-style: chr3-191093045-A-G.
Other names: c.643A>G (NM_178335.2); c.449-4903A>G (NM_174908.4); short protein forms N215D.
Identifiers: ClinVar variation 2964551 (VCV002964551.4), dbSNP rs375874806, ClinGen allele CA2755298.